The following is an entry in ClinVar:

ClinVar aggregate classification (germline): Likely pathogenic (1 of 4 stars; one submission).

Submission:

Quest Diagnostics Nichols Institute San Juan Capistrano
Classification: Likely pathogenic. Last evaluated: 2022-12-08. Review status: criteria provided, single submitter. Criteria: ACMG/ClinGen CNV Guidelines, 2019. Collection method: clinical testing. Allele origin: unknown.
Comment: This copy number loss involves multiple coding genes and overlaps the 22q11.2 central deletion (LCR C-D) syndromic region. It has been proposed that haploinsufficiency of CRKL contributes to the deletion 22q11.2 phenotype (Racedo 2015). While there are multiple copy number losses which cover the majority of this region in the general populations of the Database of Genomic Variants, a single study demonstrates enrichment of the LCR C-D deletion in patients with congenital kidney and urinary tract anomalies compared to controls (Lopez-Rivera 2017). Thus, this copy number loss is interpreted as likely pathogenic with reduced penetrance and variable expressivity (Burnside 2015). References: Burnside RD, Cytogenet Genome Res. 2015;146(2):89-99. PMID: 26278718 Lopez-Rivera et al. N Engl J Med. 2017;376(8):742-754. PMID: 28121514 Racedo et al. Am J Hum Genet. 2015;96(2):235-44. PMID: 25658046

GRCh37/hg19 22q11.21(chr22:21075675-21465662)x1

Genes: P2RX6 (purinergic receptor P2X 6; plus strand), PI4KA (phosphatidylinositol 4-kinase alpha; minus strand), SERPIND1 (serpin family D member 1; plus strand), SLC7A4 (solute carrier family 7 member 4; minus strand), LZTR1 (leucine zipper like post translational regulator 1; plus strand) and 4 more. Cytogenetic location: 22q11.21.
Variant type: copy number loss.
Change: copy number 1 (one copy instead of two) of chr22:21,075,675-21,465,662 (390.0 kb, GRCh37 coordinates, 1-based), cytogenetic band 22q11.21.
Identifiers: ClinVar variation 564998 (VCV000564998.2).